The following is an entry in ClinVar:

NM_001291415.2(KDM6A):c.593A>G (p.Asn198Ser)

Gene: KDM6A (lysine demethylase 6A; plus strand). Cytogenetic location: Xp11.3.
Variant type: single nucleotide variant.
Coding change: c.593A>G on transcript NM_001291415.2 (MANE Select); coding-DNA position 593, A replaced by G.
Protein change: p.Asn198Ser; replaces asparagine 198 with serine.
Molecular consequence: missense variant. On other transcripts: 5 prime UTR variant (1), non-coding transcript variant (1).
Genome position (GRCh38, 1-based): chrX:45,034,959, A>G. VCF-style: chrX-45034959-A-G. GRCh37 (hg19) VCF-style: chrX-44894204-A-G.
Other names: c.593A>G, p.Asn198Ser (NM_001291416.2, NM_001291417.2, NM_001291418.2 and 2 more transcripts); c.-161A>G (NM_001291421.2); short protein forms N198S.
Identifiers: ClinVar variation 2419186 (VCV002419186.6), dbSNP rs1324141100, ClinGen allele CA412773321.

ClinVar aggregate classification (germline): Uncertain significance (1 of 4 stars; one submission).

Conditions:
Kabuki syndrome 2 (KABUK2). Also called: KDM6A-Related Kabuki Syndrome. Identifiers: Orphanet 2322, MedGen C3275495, MONDO:0010465, OMIM 300867.

Allele frequency attached by ClinVar (database versions not stated): gnomAD exomes below 0.00001; TOPMed below 0.00001; gnomAD 0.00001.
gnomAD v4.1: 4 of 1,204,352 alleles (0.00033%); highest among the groups gnomAD compares: African/African-American, 0.007%; no homozygotes.

Submission:

Labcorp Genetics (formerly Invitae), Labcorp
Classification: Uncertain significance for Kabuki syndrome 2. Last evaluated: 2022-03-04. Review status: criteria provided, single submitter. Criteria: Invitae Variant Classification Sherloc (09022015). Collection method: clinical testing. Allele origin: germline.
Comment: This variant is present in population databases (no rsID available, gnomAD 0.008%). This sequence change replaces asparagine, which is neutral and polar, with serine, which is neutral and polar, at codon 198 of the KDM6A protein (p.Asn198Ser). This variant has not been reported in the literature in individuals affected with KDM6A-related conditions. In summary, the available evidence is currently insufficient to determine the role of this variant in disease. Therefore, it has been classified as a Variant of Uncertain Significance. Algorithms developed to predict the effect of missense changes on protein structure and function (SIFT, PolyPhen-2, Align-GVGD) all suggest that this variant is likely to be tolerated.